The following is an entry in ClinVar:

ClinVar aggregate classification (germline): Uncertain significance (1 of 4 stars; one submission).

Conditions:
Fanconi anemia (FA). Also called: Fanconi's anemia. Identifiers: Orphanet 84, MedGen C0015625, MeSH D005199, MONDO:0019391.

Allele frequency attached by ClinVar (database versions not stated): gnomAD exomes below 0.00001.
gnomAD v4.1: 1 of 1,614,124 alleles (0.000062%); highest among the groups gnomAD compares: Non-Finnish European, 0.000085%; no homozygotes.

Submission:

Labcorp Genetics (formerly Invitae), Labcorp
Classification: Uncertain significance for Fanconi anemia. Last evaluated: 2024-10-16. Review status: criteria provided, single submitter. Criteria: Invitae Variant Classification Sherloc (09022015). Collection method: clinical testing. Allele origin: germline.
Comment: This sequence change replaces serine, which is neutral and polar, with leucine, which is neutral and non-polar, at codon 1002 of the FANCD2 protein (p.Ser1002Leu). This variant is not present in population databases (gnomAD no frequency). This variant has not been reported in the literature in individuals affected with FANCD2-related conditions. ClinVar contains an entry for this variant (Variation ID: 2042141). Invitae Evidence Modeling of protein sequence and biophysical properties (such as structural, functional, and spatial information, amino acid conservation, physicochemical variation, residue mobility, and thermodynamic stability) has been performed for this missense variant. However, the output from this modeling did not meet the statistical confidence thresholds required to predict the impact of this variant on FANCD2 protein function. In summary, the available evidence is currently insufficient to determine the role of this variant in disease. Therefore, it has been classified as a Variant of Uncertain Significance.

NM_001018115.3(FANCD2):c.3005C>T (p.Ser1002Leu)

Gene: FANCD2 (FA complementation group D2; plus strand). Cytogenetic location: 3p25.3.
Variant type: single nucleotide variant.
Coding change: c.3005C>T on transcript NM_001018115.3 (MANE Select); coding-DNA position 3005, C replaced by T.
Protein change: p.Ser1002Leu; replaces serine 1002 with leucine.
Molecular consequence: missense variant.
Genome position (GRCh38, 1-based): chr3:10,081,128, C>T. VCF-style: chr3-10081128-C-T. GRCh37 (hg19) VCF-style: chr3-10122812-C-T.
Other names: c.3005C>T, p.Ser1002Leu (NM_001319984.2, NM_001374254.1, NM_033084.6); c.2894C>T, p.Ser965Leu (NM_001374253.1); short protein forms S965L, S1002L.
Identifiers: ClinVar variation 2042141 (VCV002042141.3), dbSNP rs1693811646, ClinGen allele CA351747247.
Genomic context (GRCh38, chr3:10,081,128, plus strand): 5'-TTTCTTCACTCATAACTCTGCATTTATTATAGAACAAAGGAAGCCGGAATATTGGATTCT[C>T]ACATCTCCAACAGAGATCTGCCCAAGAAATTGTTCATTGTGTTTTTCAACTGCTGACCCC-3'
Protein context (NP_001018125.1, residues 992-1012): KNKGSRNIGF[Ser1002Leu]HLQQRSAQEI